The following is an entry in ClinVar:

NM_001348323.3(TRIP12):c.4020A>G (p.Gln1340=)

Gene: TRIP12 (thyroid hormone receptor interactor 12; minus strand). Cytogenetic location: 2q36.3.
Variant type: single nucleotide variant.
Coding change: c.4020A>G on transcript NM_001348323.3 (MANE Select); coding-DNA position 4020, A replaced by G.
Protein change: p.Gln1340=; no amino-acid change (glutamine 1340 retained).
Molecular consequence: synonymous variant.
Genome position (GRCh38, 1-based): chr2:229,793,094, T>C on the plus strand (A>G on the coding strand, the complement: TRIP12 is on the minus strand). VCF-style: chr2-229793094-T-C. GRCh37 (hg19) VCF-style: chr2-230657810-T-C.
Other names: c.3939A>G, p.Gln1313= (NM_001284214.2, NM_001348315.2); c.3894A>G, p.Gln1298= (NM_001284215.2, NM_001348316.2); c.2985A>G, p.Gln995= (NM_001284216.2); c.3879A>G, p.Gln1293= (NM_001348317.1, NM_001348318.2); c.4005A>G, p.Gln1335= (NM_001348319.1, NM_001348320.2); c.4008A>G, p.Gln1336= (NM_001348321.1); c.4020A>G, p.Gln1340= (NM_001348322.1, NM_001348324.2, NM_001348325.2 and 2 more transcripts); c.4023A>G, p.Gln1341= (NM_001348328.1, NM_001348329.2, NM_001348330.2); and 4 more.
Identifiers: ClinVar variation 5039458 (VCV005039458.1).
Genomic context (GRCh38, chr2:229,793,094, plus strand): 5'-TCCACCCTTCCACTGCTTCACATTTGCACAGTCTGGATGCCTTTGTAACTGGCATTTTAA[T>C]TGATGTGTGTTGAAAAATTTTAAAGCCTGTGATCCTCTGTTGAGAGAAAAGCTCAAGATA-3'
Protein context (NP_001335252.1, residues 1330-1350): SQALKFFNTH[Gln1340=]LKCQLQRHPD

ClinVar aggregate classification (germline): Likely benign (1 of 4 stars; one submission).

gnomAD v4.1: 15 of 1,613,698 alleles (0.00093%); highest among the groups gnomAD compares: East Asian, 0.0022%; no homozygotes.

Submission:

CeGaT Center for Human Genetics Tuebingen
Classification: Likely benign. Last evaluated: 2026-07-01. Review status: criteria provided, single submitter. Criteria: CeGaT Center For Human Genetics Tuebingen Variant Classification Criteria Version 2. Collection method: clinical testing. Allele origin: germline. Affected: yes. Observed: 1 variant allele.
Comment: TRIP12: BP4, BP7